The following is an entry in ClinVar:

NM_000447.3(PSEN2):c.241C>T (p.Leu81Phe)

Gene: PSEN2 (presenilin 2; plus strand). Cytogenetic location: 1q42.13.
Variant type: single nucleotide variant.
Coding change: c.241C>T on transcript NM_000447.3 (MANE Select); coding-DNA position 241, C replaced by T.
Protein change: p.Leu81Phe; replaces leucine 81 with phenylalanine.
Molecular consequence: missense variant.
Genome position (GRCh38, 1-based): chr1:226,883,804, C>T. VCF-style: chr1-226883804-C-T. GRCh37 (hg19) VCF-style: chr1-227071505-C-T.
Other names: c.241C>T, p.Leu81Phe (NM_012486.3); short protein forms L81F.
Identifiers: ClinVar variation 646449 (VCV000646449.7), dbSNP rs1405799988, ClinGen allele CA345329669.

ClinVar aggregate classification (germline): Uncertain significance. Review status: criteria provided, multiple submitters, no conflicts (2 of 4 stars). 2 submissions from 2 submitters: Uncertain significance (2). Last evaluated 2024-07-02.

Conditions:
Alzheimer disease 4 (AD4). Identifiers: Orphanet 1020, MedGen C1847200, MONDO:0011743, OMIM 606889.

Allele frequency attached by ClinVar (database versions not stated): gnomAD exomes below 0.00001.
gnomAD v4.1: 2 of 1,614,166 alleles (0.00012%); highest among the groups gnomAD compares: Non-Finnish European, 0.00017%; no homozygotes.

Submissions (2):

GeneDx
Classification: Uncertain significance. Last evaluated: 2024-07-02. Review status: criteria provided, single submitter. Criteria: GeneDx Variant Classification Process June 2021. Collection method: clinical testing. Allele origin: germline. Affected: yes.
Comment: In silico analysis supports that this missense variant has a deleterious effect on protein structure/function; Has not been previously published as pathogenic or benign to our knowledge

Labcorp Genetics (formerly Invitae), Labcorp
Classification: Uncertain significance for Alzheimer disease 4. Last evaluated: 2022-01-14. Review status: criteria provided, single submitter. Criteria: Invitae Variant Classification Sherloc (09022015). Collection method: clinical testing. Allele origin: germline.
Comment: This sequence change replaces leucine, which is neutral and non-polar, with phenylalanine, which is neutral and non-polar, at codon 81 of the PSEN2 protein (p.Leu81Phe). This variant is present in population databases (no rsID available, gnomAD 0.0009%). This variant has not been reported in the literature in individuals affected with PSEN2-related conditions. ClinVar contains an entry for this variant (Variation ID: 646449). Algorithms developed to predict the effect of missense changes on protein structure and function are either unavailable or do not agree on the potential impact of this missense change (SIFT: "Deleterious"; PolyPhen-2: "Possibly Damaging"; Align-GVGD: "Class C15"). In summary, the available evidence is currently insufficient to determine the role of this variant in disease. Therefore, it has been classified as a Variant of Uncertain Significance.